The following is an entry in ClinVar:

ClinVar aggregate classification (germline): Uncertain significance (1 of 4 stars; one submission).

Conditions:
Fetal akinesia deformation sequence 1 (FADS1). Also called: Pena-Shokeir syndrome type I; Fetal akinesia sequence. Identifiers: Orphanet 994, MedGen C1276035, MONDO:0100101, OMIM 208150, HP:0001989.
Congenital myasthenic syndrome 9. Also called: Myasthenic syndrome, congenital, 9, associated with acetylcholine receptor deficiency. Identifiers: Orphanet 590, MedGen C4225368, MONDO:0014587, OMIM 616325.

Allele frequency attached by ClinVar (database versions not stated): gnomAD exomes below 0.00001; TOPMed below 0.00001; ExAC 0.00001; gnomAD 0.00001; 1000 Genomes Project 30x 0.00016; 1000 Genomes Project 0.00020.
gnomAD v4.1: 5 of 1,613,900 alleles (0.00031%); highest among the groups gnomAD compares: Admixed American, 0.0017%; no homozygotes.

Submission:

Labcorp Genetics (formerly Invitae), Labcorp
Classification: Uncertain significance for Congenital myasthenic syndrome 9; Fetal akinesia deformation sequence 1. Last evaluated: 2022-06-27. Review status: criteria provided, single submitter. Criteria: Invitae Variant Classification Sherloc (09022015). Collection method: clinical testing. Allele origin: germline.
Comment: This sequence change replaces tyrosine, which is neutral and polar, with cysteine, which is neutral and slightly polar, at codon 804 of the MUSK protein (p.Tyr804Cys). This variant is present in population databases (rs533353279, gnomAD 0.003%). This variant has not been reported in the literature in individuals affected with MUSK-related conditions. Algorithms developed to predict the effect of missense changes on protein structure and function are either unavailable or do not agree on the potential impact of this missense change (SIFT: "Deleterious"; PolyPhen-2: "Probably Damaging"; Align-GVGD: "Class C0"). In summary, the available evidence is currently insufficient to determine the role of this variant in disease. Therefore, it has been classified as a Variant of Uncertain Significance.

NM_005592.4(MUSK):c.2411A>G (p.Tyr804Cys)

Gene: MUSK (muscle associated receptor tyrosine kinase; plus strand). Cytogenetic location: 9q31.3.
Variant type: single nucleotide variant.
Coding change: c.2411A>G on transcript NM_005592.4 (MANE Select); coding-DNA position 2411, A replaced by G.
Protein change: p.Tyr804Cys; replaces tyrosine 804 with cysteine.
Molecular consequence: missense variant.
Genome position (GRCh38, 1-based): chr9:110,800,789, A>G. VCF-style: chr9-110800789-A-G. GRCh37 (hg19) VCF-style: chr9-113563069-A-G.
Other names: c.2153A>G, p.Tyr718Cys (NM_001166280.2); c.2123A>G, p.Tyr708Cys (NM_001166281.2); c.1151A>G, p.Tyr384Cys (NM_001369398.1); short protein forms Y708C, Y384C, Y804C, Y718C.
Identifiers: ClinVar variation 1408076 (VCV001408076.3), dbSNP rs533353279, ClinGen allele CA5184623.